The following is an entry in ClinVar:

ClinVar aggregate classification (germline): Benign. Review status: criteria provided, multiple submitters, no conflicts (2 of 4 stars). 2 submissions from 2 submitters: Benign (2). Last evaluated 2026-01-20.

Conditions:
TGM5-related disorder. Also called: TGM5-related condition.
Acral peeling skin syndrome. Also called: Peeling skin syndrome 2. Identifiers: Orphanet 263534, MedGen C1853354, MONDO:0012345, OMIM 609796.

Allele frequency attached by ClinVar (database versions not stated): gnomAD 0.00001 and 0.00050; ESP Exome Variant Server 0.00008; TOPMed 0.00011; 1000 Genomes Project 0.00339; 1000 Genomes Project 30x 0.00344.

Submissions (2):

PreventionGenetics, part of Exact Sciences
Classification: Benign for TGM5-related condition. Last evaluated: 2026-01-20. Review status: criteria provided, single submitter. Criteria: ACMG Guidelines, 2015. Collection method: clinical testing. Allele origin: germline.
Comment: This variant is classified as benign based on ACMG/AMP sequence variant interpretation guidelines (Richards et al. 2015 PMID: 25741868, with internal and published modifications).

Illumina Laboratory Services, Illumina
Classification: Benign for Acral peeling skin syndrome. Last evaluated: 2018-01-13. Review status: criteria provided, single submitter. Criteria: ICSL Variant Classification Criteria 13 December 2019. Collection method: clinical testing. Allele origin: germline.
Comment: This variant was observed in the ICSL laboratory as part of a predisposition screen in an ostensibly healthy population. It had not been previously curated by ICSL or reported in the Human Gene Mutation Database (HGMD: prior to June 1st, 2018), and was therefore a candidate for classification through an automated scoring system. Utilizing variant allele frequency, disease prevalence and penetrance estimates, and inheritance mode, an automated score was calculated to assess if this variant is too frequent to cause the disease. Based on the score and internal cut-off values, a variant classified as benign is not then subjected to further curation. The score for this variant resulted in a classification of benign for this disease.

NM_201631.4(TGM5):c.1309C>T (p.Arg437Trp)

Gene: TGM5 (transglutaminase 5; minus strand). Cytogenetic location: 15q15.2.
Variant type: single nucleotide variant.
Coding change: c.1309C>T on transcript NM_201631.4 (MANE Select); coding-DNA position 1309, C replaced by T.
Protein change: p.Arg437Trp; replaces arginine 437 with tryptophan.
Molecular consequence: missense variant.
Genome position (GRCh38, 1-based): chr15:43,238,853, G>A on the plus strand (C>T on the coding strand, the complement: TGM5 is on the minus strand). VCF-style: chr15-43238853-G-A. GRCh37 (hg19) VCF-style: chr15-43531051-G-A.
Other names: c.1063C>T, p.Arg355Trp (NM_004245.4); short protein forms R437W, R355W.
Identifiers: ClinVar variation 316045 (VCV000316045.6), dbSNP rs375323388, ClinGen allele CA7521016.
Genomic context (GRCh38, chr15:43,238,853, plus strand): 5'-AGTAGGGCTGGCTTGCTTACTTACCTTCTTCATACTTGTAGTTCTCTGTGATGTCATCCC[G>A]CTCGTCACTCTGGATGCTCTTTGTGCTGATAAAATTGCCAACAGAACTCGTGTCCTGGTG-3'
Protein context (NP_963925.2, residues 427-447): ISTKSIQSDE[Arg437Trp]DDITENYKYE